The following is an entry in ClinVar:

NM_000243.3(MEFV):c.863C>A (p.Ser288Tyr)

Gene: MEFV (MEFV innate immunity regulator, pyrin; minus strand). Cytogenetic location: 16p13.3.
Variant type: single nucleotide variant.
Coding change: c.863C>A on transcript NM_000243.3 (MANE Select); coding-DNA position 863, C replaced by A.
Protein change: p.Ser288Tyr; replaces serine 288 with tyrosine.
Molecular consequence: missense variant. On other transcripts: intron variant (1).
Genome position (GRCh38, 1-based): chr16:3,254,205, G>T on the plus strand (C>A on the coding strand, the complement: MEFV is on the minus strand). VCF-style: chr16-3254205-G-T. GRCh37 (hg19) VCF-style: chr16-3304205-G-T.
Other names: c.277+2106C>A (NM_001198536.2); short protein forms S288Y.
Identifiers: ClinVar variation 56152 (VCV000056152.8), dbSNP rs387907567, ClinGen allele CA280335.
Genomic context (GRCh38, chr16:3,254,205, plus strand): 5'-GAACACAATTTACCGGTGACCGAATGTTCTGGATTTCCAGGGCCTTCCTTCAGGTCCGCA[G>T]ATGCCCCTCCATCCGGAGTGGGCCTTGCCCGGGGTTCTGTTGCCGAGTCCAGATTCGCAG-3'
Protein context (NP_000234.1, residues 278-298): RARPTPDGGA[Ser288Tyr]ADLKEGPGNP

ClinVar aggregate classification (germline): Conflicting classifications of pathogenicity. Review status: criteria provided, conflicting classifications (1 of 4 stars). 9 submissions from 7 submitters: Uncertain significance (6); Likely benign (2). 1 of the submissions does not count toward it. Last evaluated 2026-01-26.

Conditions:
Acute febrile neutrophilic dermatosis (AFND). Also called: Sweet Syndrome; Gomm Button disease. Identifiers: Orphanet 3243, MedGen C0085077, MONDO:0011959, OMIM 608068.
Familial Mediterranean fever (FMF). Also called: Periodic peritonitis; Benign paroxysmal peritonitis; POLYSEROSITIS, FAMILIAL PAROXYSMAL; POLYSEROSITIS, RECURRENT. Identifiers: Orphanet 342, MedGen C0031069, MONDO:0018088, OMIM 249100. Disease mechanism: gain of function.
Familial Mediterranean fever, autosomal dominant. Also called: Dominant Familial Mediterranean Fever; FMF, AUTOSOMAL DOMINANT. Identifiers: Orphanet 342, MedGen C1851347, MONDO:0007601, OMIM 134610.

Allele frequency attached by ClinVar (database versions not stated): gnomAD exomes 0.00001.

Submissions (9):

GeneDx
Classification: Uncertain significance. Last evaluated: 2026-01-26. Review status: criteria provided, single submitter. Criteria: GeneDx Variant Classification Process June 2021. Collection method: clinical testing. Allele origin: germline.
Comment: In silico analysis suggests that this missense variant does not alter protein structure/function; This variant is associated with the following publications: (PMID: 34426522, 24469716, Kurt 2023[CaseReport], Doan2016[CaseReport], 32359823)

MVZ Medizinische Genetik Mainz
Classification: Uncertain significance for Familial Mediterranean fever. Last evaluated: 2025-09-30. Review status: criteria provided, single submitter. Criteria: UK Practice Guidelines For Variant Classification V4 01 2020. Collection method: clinical testing. Allele origin: germline. Inheritance: Autosomal recessive inheritance. Observed: 1 variant allele.
Comment: ACMG Criteria: PM2_sup, PP3

Genome-Nilou Lab
Classification: Uncertain significance for Familial Mediterranean fever. Last evaluated: 2023-02-08. Review status: criteria provided, single submitter. Criteria: ACMG Guidelines, 2015. Collection method: clinical testing. Allele origin: germline.

Genome-Nilou Lab
Classification: Likely benign for Familial Mediterranean fever, autosomal dominant. Last evaluated: 2023-02-08. Review status: criteria provided, single submitter. Criteria: ACMG Guidelines, 2015. Collection method: clinical testing. Allele origin: germline.

Genome-Nilou Lab
Classification: Likely benign for Acute febrile neutrophilic dermatosis. Last evaluated: 2023-02-08. Review status: criteria provided, single submitter. Criteria: ACMG Guidelines, 2015. Collection method: clinical testing. Allele origin: germline.

Fulgent Genetics
Classification: Uncertain significance for Familial Mediterranean fever, autosomal dominant; Familial Mediterranean fever; Acute febrile neutrophilic dermatosis. Last evaluated: 2021-10-21. Review status: criteria provided, single submitter. Criteria: ACMG Guidelines, 2015. Collection method: clinical testing. Allele origin: unknown.

Labcorp Genetics (formerly Invitae), Labcorp
Classification: Uncertain significance for Familial Mediterranean fever. Last evaluated: 2021-09-01. Review status: criteria provided, single submitter. Criteria: Invitae Variant Classification Sherloc (09022015). Collection method: clinical testing. Allele origin: germline.
Comment: This sequence change replaces serine with tyrosine at codon 288 of the MEFV protein (p.Ser288Tyr). The serine residue is weakly conserved and there is a large physicochemical difference between serine and tyrosine. This variant is not present in population databases (ExAC no frequency). This missense change has been observed in individual(s) with features of familial Mediterranean fever (PMID: 24469716). ClinVar contains an entry for this variant (Variation ID: 56152). Algorithms developed to predict the effect of missense changes on protein structure and function are either unavailable or do not agree on the potential impact of this missense change (SIFT: "Deleterious"; PolyPhen-2: "Benign"; Align-GVGD: "Class C0"). In summary, the available evidence is currently insufficient to determine the role of this variant in disease. Therefore, it has been classified as a Variant of Uncertain Significance.

Mendelics
Classification: Uncertain significance for Familial Mediterranean fever. Last evaluated: 2019-05-28. Review status: criteria provided, single submitter. Criteria: Mendelics Assertion Criteria 2017. Collection method: clinical testing. Allele origin: unknown.

Medical Biology Lab,  Gaziantep University
No classification provided. Condition: Familial Mediterranean fever. Review status: no classification provided. Collection method: not provided. Allele origin: somatic. Not counted in ClinVar's aggregate classification.

Literature cited by the submitters: PubMed 24469716 (cited by Labcorp Genetics (formerly Invitae), Labcorp).